The following is an entry in ClinVar:

NM_006415.4(SPTLC1):c.481G>A (p.Ala161Thr)

Gene: SPTLC1 (serine palmitoyltransferase long chain base subunit 1; minus strand). Cytogenetic location: 9q22.31.
Variant type: single nucleotide variant.
Coding change: c.481G>A on transcript NM_006415.4 (MANE Select); coding-DNA position 481, G replaced by A.
Protein change: p.Ala161Thr; replaces alanine 161 with threonine.
Molecular consequence: missense variant.
Genome position (GRCh38, 1-based): chr9:92,068,045, C>T on the plus strand (G>A on the coding strand, the complement: SPTLC1 is on the minus strand). VCF-style: chr9-92068045-C-T. GRCh37 (hg19) VCF-style: chr9-94830327-C-T.
Other names: c.481G>A, p.Ala161Thr (NM_001281303.2); c.115G>A, p.Ala39Thr (NM_001368272.1); c.16G>A, p.Ala6Thr (NM_001368273.1); short protein forms A161T, A6T, A39T.
Identifiers: ClinVar variation 1743345 (VCV001743345.2), dbSNP rs752795774, ClinGen allele CA5121528.

ClinVar aggregate classification (germline): Uncertain significance (1 of 4 stars; one submission).

Conditions:
Inborn genetic diseases. Identifiers: MedGen C0950123, MeSH D030342.

Allele frequency attached by ClinVar (database versions not stated): ExAC 0.00001; gnomAD 0.00001; TOPMed 0.00001.
gnomAD v4.1: 1 of 1,613,878 alleles (0.000062%); highest among the groups gnomAD compares: African/African-American, 0.0013%; no homozygotes.

Submission:

Ambry Genetics
Classification: Uncertain significance for Inborn genetic diseases. Last evaluated: 2021-03-25. Review status: criteria provided, single submitter. Criteria: Ambry Variant Classification Scheme 2023. Collection method: clinical testing. Allele origin: germline.
Comment: The p.A161T variant (also known as c.481G>A), located in coding exon 6 of the SPTLC1 gene, results from a G to A substitution at nucleotide position 481. The alanine at codon 161 is replaced by threonine, an amino acid with similar properties. This amino acid position is highly conserved in available vertebrate species. In addition, this alteration is predicted to be deleterious by in silico analysis. Since supporting evidence is limited at this time, the clinical significance of this alteration remains unclear.